The following is an entry in ClinVar:

ClinVar aggregate classification (germline): Uncertain significance. Review status: criteria provided, multiple submitters, no conflicts (2 of 4 stars). 3 submissions from 3 submitters: Uncertain significance (3). Last evaluated 2025-07-01.

Conditions:
Renal-hepatic-pancreatic dysplasia 2 (RHPD2). Identifiers: MedGen C3809434, MONDO:0014174, OMIM 615415.
Nephronophthisis 9 (NPHP9). Identifiers: Orphanet 655, MedGen C3151188, MONDO:0013444, OMIM 613824.
Polycystic kidney disease 8. Identifiers: MedGen C5935640, MONDO:0971178, OMIM 620903.
Inborn genetic diseases. Identifiers: MedGen C0950123, MeSH D030342.

Allele frequency attached by ClinVar (database versions not stated): gnomAD 0.00003; ExAC 0.00002; TOPMed 0.00004.
gnomAD v4.1: 72 of 1,613,382 alleles (0.0045%); highest among the groups gnomAD compares: Admixed American, 0.012%; no homozygotes.

Submissions (3):

Labcorp Genetics (formerly Invitae), Labcorp
Classification: Uncertain significance for Nephronophthisis 9. Last evaluated: 2025-07-01. Review status: criteria provided, single submitter. Criteria: Invitae Variant Classification Sherloc (09022015). Collection method: clinical testing. Allele origin: germline.
Comment: This sequence change replaces valine, which is neutral and non-polar, with isoleucine, which is neutral and non-polar, at codon 143 of the NEK8 protein (p.Val143Ile). This variant is present in population databases (rs771755365, gnomAD 0.02%). This variant has not been reported in the literature in individuals affected with NEK8-related conditions. ClinVar contains an entry for this variant (Variation ID: 2250408). An algorithm developed to predict the effect of missense changes on protein structure and function (PolyPhen-2) suggests that this variant is likely to be disruptive. In summary, the available evidence is currently insufficient to determine the role of this variant in disease. Therefore, it has been classified as a Variant of Uncertain Significance.

Fulgent Genetics
Classification: Uncertain significance for Nephronophthisis 9; Renal-hepatic-pancreatic dysplasia 2; Polycystic kidney disease 8. Last evaluated: 2024-04-11. Review status: criteria provided, single submitter. Criteria: ACMG Guidelines, 2015. Collection method: clinical testing. Allele origin: germline.

Ambry Genetics
Classification: Uncertain significance for Inborn genetic diseases. Last evaluated: 2021-09-16. Review status: criteria provided, single submitter. Criteria: Ambry Variant Classification Scheme 2023. Collection method: clinical testing. Allele origin: germline.

NM_178170.3(NEK8):c.427G>A (p.Val143Ile)

Gene: NEK8 (NIMA related kinase 8; plus strand). Cytogenetic location: 17q11.2.
Variant type: single nucleotide variant.
Coding change: c.427G>A on transcript NM_178170.3 (MANE Select); coding-DNA position 427, G replaced by A.
Protein change: p.Val143Ile; replaces valine 143 with isoleucine.
Molecular consequence: missense variant.
Genome position (GRCh38, 1-based): chr17:28,734,945, G>A. VCF-style: chr17-28734945-G-A. GRCh37 (hg19) VCF-style: chr17-27061963-G-A.
Other names: short protein forms V143I.
Identifiers: ClinVar variation 2250408 (VCV002250408.5), dbSNP rs771755365, ClinGen allele CA8467082.